The following is an entry in ClinVar:

ClinVar aggregate classification (germline): Pathogenic (1 of 4 stars; one submission).

Submission:

Clinical Genomics Laboratory, Laboratory for Precision Diagnostics, University of Washington
Classification: Pathogenic. Last evaluated: 2022-06-21. Review status: criteria provided, single submitter. Criteria: ACMG/ClinGen CNV Guidelines, 2019. Collection method: clinical testing. Allele origin: unknown. Affected: yes. Observed: 1 variant allele.

Literature cited by the submitters: PubMed 20503335.

GRCh38/hg38 16q23.1-24.3(chr16:77262369-90338345)x3

Genes: ATP2C2 (ATPase secretory pathway Ca2+ transporting 2; plus strand), ATP2C2-AS1 (ATP2C2 antisense RNA 1; minus strand), BANP (BTG3 associated nuclear protein; plus strand), ANKRD11-AS1 (ANKRD11 antisense RNA 1; plus strand), ACSF3 (acyl-CoA synthetase family member 3; plus strand) and 769 more. Cytogenetic location: 16q23.1-24.3.
Variant type: copy number gain.
Change: copy number 3 (three copies instead of two) of chr16:77,262,369-90,338,345 (13.08 Mb, GRCh38 coordinates, 1-based), cytogenetic band 16q23.1-24.3.
Identifiers: ClinVar variation 4852048 (VCV004852048.1).